The following is an entry in ClinVar:

ClinVar aggregate classification (germline): Likely pathogenic (1 of 4 stars; one submission).

Conditions:
Long QT syndrome 2 (LQT2). Identifiers: Orphanet 101016, Orphanet 768, MedGen C3150943, MONDO:0013367, OMIM 613688.

Submission:

KardioGenetik, Herz- und Diabeteszentrum NRW
Classification: Likely pathogenic for Long QT syndrome 2. Last evaluated: 2026-07-28. Review status: criteria provided, single submitter. Criteria: ACMG Guidelines, 2015. Collection method: clinical testing. Allele origin: unknown. Affected: yes. Observed: 1 variant allele.
Comment: The variant has not previously been reported in the scientific literature or in public databases. It is absent from the general population cohorts of the gnomAD database, with an allele frequency of zero. The duplication of the nucleotide at cDNA position 2488 results in a frameshift, leading to the introduction of a premature stop codon. This is predicted to cause haploinsufficiency, consistent with the established pathogenic mechanism of truncating KCNH2 variants causing Long QT syndrome.

NM_000238.4(KCNH2):c.2488dup (p.Leu830fs)

Gene: KCNH2 (potassium voltage-gated channel subfamily H member 2; minus strand). Cytogenetic location: 7q36.1.
Variant type: Duplication.
Coding change: c.2488dup on transcript NM_000238.4 (MANE Select); coding-DNA position 2488, one base duplicated (C; older notation c.2488dupC).
Protein change: p.Leu830fs; shifts the reading frame from leucine 830.
Molecular consequence: frameshift variant. On other transcripts: non-coding transcript variant (2).
Genome position (GRCh38, 1-based): chr7:150,948,960, G duplicated on the plus strand (C on the coding strand, the reverse complement: KCNH2 is on the minus strand); the first of 2 consecutive G bases (chr7:150,948,960-150,948,961); duplicating either gives the same sequence. VCF-style (leftmost placement, unchanged base first): chr7-150948959-A-AG. GRCh37 (hg19) VCF-style: chr7-150646047-A-AG.
Other names: c.2200dup, p.Leu734fs (NM_001406753.1); c.1468dup, p.Leu490fs (NM_172057.3); short protein forms L490fs, L734fs, L830fs.
Identifiers: ClinVar variation 4974965 (VCV004974965.1).
Genomic context (GRCh38, chr7:150,948,959, plus strand): 5'-TCGGAGAACTCAGGGTACATGTCCAGCACCTCCAGCAGGTCGTCCCGATGGATCTTGTGT[A>AG]GGTCACAGTAGGTGAGGGCCCGCACATCCCCGTTCGACTTGCCAGGCCTTGCATACAGGT-3'